The following is an entry in ClinVar:

ClinVar aggregate classification (germline): Conflicting classifications of pathogenicity. Review status: criteria provided, conflicting classifications (1 of 4 stars). 2 submissions from 2 submitters: Uncertain significance (1); Likely benign (1). Last evaluated 2025-05-21.

Conditions:
Hereditary cancer-predisposing syndrome. Also called: Hereditary neoplastic syndrome; Tumor predisposition; Hereditary Cancer Syndrome; Neoplastic Syndromes, Hereditary. Identifiers: Orphanet 140162, MedGen C0027672, MeSH D009386, MONDO:0015356.

Submissions (2):

Ambry Genetics
Classification: Likely benign for Hereditary cancer-predisposing syndrome. Last evaluated: 2025-05-21. Review status: criteria provided, single submitter. Criteria: Ambry Variant Classification Scheme 2023. Collection method: clinical testing. Allele origin: germline.

Color Diagnostics, LLC DBA Color Health
Classification: Uncertain significance for Hereditary cancer-predisposing syndrome. Last evaluated: 2023-12-05. Review status: criteria provided, single submitter. Criteria: ACMG Guidelines, 2015. Collection method: clinical testing. Allele origin: germline.
Comment: This missense variant replaces valine with isoleucine at codon 737 of the CDH1 protein. To our knowledge, functional studies have not been reported for this variant. This variant has not been reported in individuals affected with CDH1-related disorders in the literature. This variant has not been identified in the general population by the Genome Aggregation Database (gnomAD). The available evidence is insufficient to determine the role of this variant in disease conclusively. Therefore, this variant is classified as a Variant of Uncertain Significance.

NM_004360.5(CDH1):c.2209G>A (p.Val737Ile)

Gene: CDH1 (cadherin 1; plus strand). Cytogenetic location: 16q22.1.
Variant type: single nucleotide variant.
Coding change: c.2209G>A on transcript NM_004360.5 (MANE Select); coding-DNA position 2209, G replaced by A.
Protein change: p.Val737Ile; replaces valine 737 with isoleucine.
Molecular consequence: missense variant.
Genome position (GRCh38, 1-based): chr16:68,828,218, G>A. VCF-style: chr16-68828218-G-A. GRCh37 (hg19) VCF-style: chr16-68862121-G-A.
Other names: c.2026G>A, p.Val676Ile (NM_001317184.2); c.661G>A, p.Val221Ile (NM_001317185.2); c.244G>A, p.Val82Ile (NM_001317186.2); short protein forms V737I, V676I, V82I, V221I.
Identifiers: ClinVar variation 491523 (VCV000491523.11), dbSNP rs1555517644, ClinGen allele CA396469583.